The following is an entry in ClinVar:

ClinVar aggregate classification (germline): Uncertain significance (1 of 4 stars; one submission).

Conditions:
Brugada syndrome. Also called: Sudden unexplained nocturnal death syndrome; Sudden unexpected nocturnal death syndrome; Sudden Unexplained Death Syndrome; Sudden Unexplained Nocturnal Death Syndrome (SUNDS). Identifiers: Orphanet 130, MedGen C1142166, MONDO:0015263.

Allele frequency attached by ClinVar (database versions not stated): gnomAD exomes below 0.00001.

Submission:

Labcorp Genetics (formerly Invitae), Labcorp
Classification: Uncertain significance for Brugada syndrome. Last evaluated: 2018-02-19. Review status: criteria provided, single submitter. Criteria: Invitae Variant Classification Sherloc (09022015). Collection method: clinical testing. Allele origin: germline.
Comment: This sequence change replaces alanine with threonine at codon 1558 of the SCN10A protein (p.Ala1558Thr). The alanine residue is weakly conserved and there is a small physicochemical difference between alanine and threonine. In summary, the available evidence is currently insufficient to determine the role of this variant in disease. Therefore, it has been classified as a Variant of Uncertain Significance. Algorithms developed to predict the effect of missense changes on protein structure and function output the following: SIFT: "Tolerated"; PolyPhen-2: "Benign"; Align-GVGD: "Class C0". The threonine amino acid residue is found in multiple mammalian species, suggesting that this missense change does not adversely affect protein function. These predictions have not been confirmed by published functional studies and their clinical significance is uncertain. This variant has not been reported in the literature in individuals with SCN10A-related disease. This variant is not present in population databases (ExAC no frequency).

NM_006514.4(SCN10A):c.4672G>A (p.Ala1558Thr)

Gene: SCN10A (sodium voltage-gated channel alpha subunit 10; minus strand). Cytogenetic location: 3p22.2.
Variant type: single nucleotide variant.
Coding change: c.4672G>A on transcript NM_006514.4 (MANE Select); coding-DNA position 4672, G replaced by A.
Protein change: p.Ala1558Thr; replaces alanine 1558 with threonine.
Molecular consequence: missense variant.
Genome position (GRCh38, 1-based): chr3:38,698,548, C>T on the plus strand (G>A on the coding strand, the complement: SCN10A is on the minus strand). VCF-style: chr3-38698548-C-T. GRCh37 (hg19) VCF-style: chr3-38740039-C-T.
Other names: c.4669G>A, p.Ala1557Thr (NM_001293306.2); c.4378G>A, p.Ala1460Thr (NM_001293307.2); short protein forms A1558T, A1557T, A1460T.
Identifiers: ClinVar variation 574967 (VCV000574967.5), dbSNP rs1559407312, ClinGen allele CA352155991.